The following is an entry in ClinVar:

NM_000152.5(GAA):c.1223T>C (p.Met408Thr)

Gene: GAA (alpha glucosidase; plus strand). Cytogenetic location: 17q25.3.
Variant type: single nucleotide variant.
Coding change: c.1223T>C on transcript NM_000152.5 (MANE Select); coding-DNA position 1223, T replaced by C.
Protein change: p.Met408Thr; replaces methionine 408 with threonine.
Molecular consequence: missense variant.
Genome position (GRCh38, 1-based): chr17:80,108,725, T>C. VCF-style: chr17-80108725-T-C. GRCh37 (hg19) VCF-style: chr17-78082524-T-C.
Other names: c.1223T>C, p.Met408Thr (NM_001079803.3, NM_001079804.3, NM_001406741.1 and 1 more transcripts); short protein forms M408T.
Identifiers: ClinVar variation 2879868 (VCV002879868.4), dbSNP rs2510364535, ClinGen allele CA401365216.
Genomic context (GRCh38, chr17:80,108,725, plus strand): 5'-CCCCAGCAGACGGTCCCGTGTTGTGGCTGCAGGACGTCCAGTGGAACGACCTGGACTACA[T>C]GGACTCCCGGAGGGACTTCACGTTCAACAAGGATGGCTTCCGGGACTTCCCGGCCATGGT-3'
Protein context (NP_000143.2, residues 398-418): LDVQWNDLDY[Met408Thr]DSRRDFTFNK

ClinVar aggregate classification (germline): Conflicting classifications of pathogenicity. Review status: criteria provided, conflicting classifications (1 of 4 stars). 2 submissions from 2 submitters: Likely pathogenic (1); Uncertain significance (1). Last evaluated 2025-03-27.

Conditions:
Glycogen storage disease, type II (IOPD). Also called: Pompe Disease; CARDIOMEGALIA GLYCOGENICA DIFFUSA; GLYCOGENOSIS, GENERALIZED, CARDIAC FORM; GSD II; POMPE DISEASE, INFANTILE-ONSET; GLYCOGEN STORAGE DISEASE II, INFANTILE-ONSET. Identifiers: Orphanet 365, MedGen C0017921, MONDO:0009290, OMIM 232300.

Submissions (2):

Revvity Omics, Revvity
Classification: Uncertain significance. Last evaluated: 2025-03-27. Review status: criteria provided, single submitter. Criteria: ACMG Guidelines, 2015. Collection method: clinical testing. Allele origin: germline.

Labcorp Genetics (formerly Invitae), Labcorp
Classification: Likely pathogenic for Glycogen storage disease, type II. Last evaluated: 2023-08-28. Review status: criteria provided, single submitter. Criteria: Invitae Variant Classification Sherloc (09022015). Collection method: clinical testing. Allele origin: germline.
Comment: This sequence change replaces methionine, which is neutral and non-polar, with threonine, which is neutral and polar, at codon 408 of the GAA protein (p.Met408Thr). In summary, the currently available evidence indicates that the variant is pathogenic, but additional data are needed to prove that conclusively. Therefore, this variant has been classified as Likely Pathogenic. This variant disrupts the p.Met408 amino acid residue in GAA. Other variant(s) that disrupt this residue have been determined to be pathogenic (PMID: 11738358, 19862843, 21687968). This suggests that this residue is clinically significant, and that variants that disrupt this residue are likely to be disease-causing. Advanced modeling of protein sequence and biophysical properties (such as structural, functional, and spatial information, amino acid conservation, physicochemical variation, residue mobility, and thermodynamic stability) performed at Invitae indicates that this missense variant is expected to disrupt GAA protein function. This variant has not been reported in the literature in individuals affected with GAA-related conditions. This variant is not present in population databases (gnomAD no frequency).

Literature cited by the submitters: PubMed 11738358 (cited by Labcorp Genetics (formerly Invitae), Labcorp); PubMed 19862843 (cited by Labcorp Genetics (formerly Invitae), Labcorp); PubMed 21687968 (cited by Labcorp Genetics (formerly Invitae), Labcorp).